The following is an entry in ClinVar:

ClinVar aggregate classification (germline): Uncertain significance (1 of 4 stars; one submission).

Conditions:
Hereditary cancer-predisposing syndrome. Also called: Hereditary Cancer Syndrome; Hereditary neoplastic syndrome; Neoplastic Syndromes, Hereditary; Tumor predisposition. Identifiers: Orphanet 140162, MedGen C0027672, MeSH D009386, MONDO:0015356.

Submission:

Ambry Genetics
Classification: Uncertain significance for Hereditary cancer-predisposing syndrome. Last evaluated: 2021-03-04. Review status: criteria provided, single submitter. Criteria: Ambry Variant Classification Scheme 2023. Collection method: clinical testing. Allele origin: germline.
Comment: The p.T3195N variant (also known as c.9584C>A), located in coding exon 25 of the BRCA2 gene, results from a C to A substitution at nucleotide position 9584. The threonine at codon 3195 is replaced by asparagine, an amino acid with similar properties. This amino acid position is poorly conserved in available vertebrate species. In addition, this alteration is predicted to be tolerated by in silico analysis. Since supporting evidence is limited at this time, the clinical significance of this alteration remains unclear.

NM_000059.4(BRCA2):c.9584C>A (p.Thr3195Asn)

Gene: BRCA2 (BRCA2 DNA repair associated; plus strand). Cytogenetic location: 13q13.1.
Variant type: single nucleotide variant.
Coding change: c.9584C>A on transcript NM_000059.4 (MANE Select); coding-DNA position 9584, C replaced by A.
Protein change: p.Thr3195Asn; replaces threonine 3195 with asparagine.
Molecular consequence: missense variant.
Genome position (GRCh38, 1-based): chr13:32,396,980, C>A. VCF-style: chr13-32396980-C-A. GRCh37 (hg19) VCF-style: chr13-32971117-C-A.
Other names: c.9488C>A, p.Thr3163Asn (NM_001406719.1); c.9533C>A, p.Thr3178Asn (NM_001406720.1); c.4652C>A, p.Thr1551Asn (NM_001406721.1); c.3167C>A, p.Thr1056Asn (NM_001406722.1); short protein forms T3195N, T1056N, T3163N, T1551N, T3178N.
Identifiers: ClinVar variation 1767458 (VCV001767458.2), dbSNP rs431825376, ClinGen allele CA387763440.